The following is an entry in ClinVar:

NM_001370259.2(MEN1):c.1192C>G (p.Gln398Glu)

Gene: MEN1 (menin 1; minus strand). Cytogenetic location: 11q13.1.
Variant type: single nucleotide variant.
Coding change: c.1192C>G on transcript NM_001370259.2 (MANE Select); coding-DNA position 1192, C replaced by G.
Protein change: p.Gln398Glu; replaces glutamine 398 with glutamic acid.
Molecular consequence: missense variant.
Genome position (GRCh38, 1-based): chr11:64,805,192, G>C on the plus strand (C>G on the coding strand, the complement: MEN1 is on the minus strand). VCF-style: chr11-64805192-G-C. GRCh37 (hg19) VCF-style: chr11-64572664-G-C.
Other names: c.1207C>G, p.Gln403Glu (NM_000244.4, NM_130800.3, NM_130801.3 and 3 more transcripts); c.1318C>G, p.Gln440Glu (NM_001370251.2); c.1192C>G, p.Gln398Glu (NM_001370260.2, NM_001370261.2, NM_130799.3); c.1087C>G, p.Gln363Glu (NM_001370262.2, NM_001370263.2); short protein forms Q403E, Q363E, Q398E, Q440E.
Identifiers: ClinVar variation 818565 (VCV000818565.14), dbSNP rs886039418, ClinGen allele CA381180801.

ClinVar aggregate classification (germline): Conflicting classifications of pathogenicity. Review status: criteria provided, conflicting classifications (1 of 4 stars). 3 submissions from 3 submitters: Uncertain significance (2); Likely benign (1). Last evaluated 2024-10-08.

Conditions:
Hereditary cancer-predisposing syndrome. Also called: Hereditary Cancer Syndrome; Neoplastic Syndromes, Hereditary; Hereditary neoplastic syndrome; Tumor predisposition. Identifiers: Orphanet 140162, MedGen C0027672, MeSH D009386, MONDO:0015356.
Multiple endocrine neoplasia, type 1 (MEN1). Also called: MEN I; WERMER SYNDROME; Endocrine adenomatosis multiple; MEN 1; MEA I. Identifiers: Orphanet 652, MedGen C0025267, MeSH D018761, MONDO:0007540, OMIM 131100.

Allele frequency attached by ClinVar (database versions not stated): gnomAD exomes below 0.00001.
gnomAD v4.1: 1 of 1,613,498 alleles (0.000062%); highest among the groups gnomAD compares: Admixed American, 0.0017%; no homozygotes.

Submissions (3):

Labcorp Genetics (formerly Invitae), Labcorp
Classification: Likely benign for Multiple endocrine neoplasia, type 1. Last evaluated: 2024-10-08. Review status: criteria provided, single submitter. Criteria: Invitae Variant Classification Sherloc (09022015). Collection method: clinical testing. Allele origin: germline.

Baylor Genetics
Classification: Uncertain significance for Multiple Endocrine Neoplasia Type 1. Last evaluated: 2024-01-25. Review status: criteria provided, single submitter. Criteria: ACMG Guidelines, 2015. Collection method: clinical testing. Allele origin: unknown.

Ambry Genetics
Classification: Uncertain significance for Hereditary cancer-predisposing syndrome. Last evaluated: 2020-12-24. Review status: criteria provided, single submitter. Criteria: Ambry Variant Classification Scheme 2023. Collection method: clinical testing. Allele origin: germline.
Comment: The p.Q398E variant (also known as c.1192C>G), located in coding exon 8 of the MEN1 gene, results from a C to G substitution at nucleotide position 1192. The glutamine at codon 398 is replaced by glutamic acid, an amino acid with highly similar properties. This alteration has been reported in 1/1197 individuals from Greece, Romania, and Turkey undergoing evaluation for inherited cancer predisposition (Tsaousis GN et al. BMC Cancer, 2019 Jun;19:535). This amino acid position is not well conserved in available vertebrate species. In addition, the in silico prediction for this alteration is inconclusive. Since supporting evidence is limited at this time, the clinical significance of this alteration remains unclear.

Literature cited by the submitters: PubMed 31159747 (cited by Ambry Genetics).